The following is an entry in ClinVar:

NM_007118.4(TRIO):c.1796C>G (p.Ser599Cys)

Gene: TRIO (trio Rho guanine nucleotide exchange factor; plus strand). Cytogenetic location: 5p15.2.
Variant type: single nucleotide variant.
Coding change: c.1796C>G on transcript NM_007118.4 (MANE Select); coding-DNA position 1796, C replaced by G.
Protein change: p.Ser599Cys; replaces serine 599 with cysteine.
Molecular consequence: missense variant. On other transcripts: non-coding transcript variant (1).
Genome position (GRCh38, 1-based): chr5:14,330,842, C>G. VCF-style: chr5-14330842-C-G. GRCh37 (hg19) VCF-style: chr5-14330951-C-G.
Other names: short protein forms S599C.
Identifiers: ClinVar variation 2655314 (VCV002655314.24), dbSNP rs764454794, ClinGen allele CA359234253.

ClinVar aggregate classification (germline): Uncertain significance (1 of 4 stars; one submission).

Submission:

CeGaT Center for Human Genetics Tuebingen
Classification: Uncertain significance. Last evaluated: 2022-06-01. Review status: criteria provided, single submitter. Criteria: CeGaT Center For Human Genetics Tuebingen Variant Classification Criteria Version 2. Collection method: clinical testing. Allele origin: germline. Affected: yes. Observed: 1 variant allele.
Comment: TRIO: PM2